The following is an entry in ClinVar:

ClinVar aggregate classification (germline): Uncertain significance (1 of 4 stars; one submission).

Submission:

Labcorp Genetics (formerly Invitae), Labcorp
Classification: Uncertain significance. Last evaluated: 2025-06-03. Review status: criteria provided, single submitter. Criteria: Invitae Variant Classification Sherloc (09022015). Collection method: clinical testing. Allele origin: germline.
Comment: This sequence change replaces tryptophan, which is neutral and slightly polar, with leucine, which is neutral and non-polar, at codon 296 of the ACTN1 protein (p.Trp296Leu). This variant is not present in population databases (gnomAD no frequency). This variant has not been reported in the literature in individuals affected with ACTN1-related conditions. Invitae Evidence Modeling of protein sequence and biophysical properties (such as structural, functional, and spatial information, amino acid conservation, physicochemical variation, residue mobility, and thermodynamic stability) indicates that this missense variant is not expected to disrupt ACTN1 protein function with a negative predictive value of 80%. In summary, the available evidence is currently insufficient to determine the role of this variant in disease. Therefore, it has been classified as a Variant of Uncertain Significance.

NM_001130004.2(ACTN1):c.887G>T (p.Trp296Leu)

Gene: ACTN1 (actinin alpha 1; minus strand). Cytogenetic location: 14q24.1.
Variant type: single nucleotide variant.
Coding change: c.887G>T on transcript NM_001130004.2 (MANE Select); coding-DNA position 887, G replaced by T.
Protein change: p.Trp296Leu; replaces tryptophan 296 with leucine.
Molecular consequence: missense variant.
Genome position (GRCh38, 1-based): chr14:68,892,252, C>A on the plus strand (G>T on the coding strand, the complement: ACTN1 is on the minus strand). VCF-style: chr14-68892252-C-A. GRCh37 (hg19) VCF-style: chr14-69358969-C-A.
Other names: c.887G>T, p.Trp296Leu (NM_001102.4, NM_001130005.2, NM_001411035.1 and 9 more transcripts); c.692G>T, p.Trp231Leu (NM_001411036.1, NM_001424026.1, NM_001424028.1); c.1013G>T, p.Trp338Leu (NM_001424013.1); c.974G>T, p.Trp325Leu (NM_001424015.1); c.884G>T, p.Trp295Leu (NM_001424017.1); c.824G>T, p.Trp275Leu (NM_001424018.1, NM_001424020.1, NM_001424022.1); c.818G>T, p.Trp273Leu (NM_001424021.1); c.62G>T, p.Trp21Leu (NM_001424030.1); short protein forms W295L, W296L, W325L, W21L, W273L, W275L, W231L, W338L.
Identifiers: ClinVar variation 4743936 (VCV004743936.1).